The following is an entry in ClinVar:

NM_015065.3(EXPH5):c.2351C>T (p.Pro784Leu)

Gene: EXPH5 (exophilin 5; minus strand). Cytogenetic location: 11q22.3.
Variant type: single nucleotide variant.
Coding change: c.2351C>T on transcript NM_015065.3 (MANE Select); coding-DNA position 2351, C replaced by T.
Protein change: p.Pro784Leu; replaces proline 784 with leucine.
Molecular consequence: missense variant.
Genome position (GRCh38, 1-based): chr11:108,513,156, G>A on the plus strand (C>T on the coding strand, the complement: EXPH5 is on the minus strand). VCF-style: chr11-108513156-G-A. GRCh37 (hg19) VCF-style: chr11-108383883-G-A.
Other names: c.2123C>T, p.Pro708Leu (NM_001144763.2); c.1883C>T, p.Pro628Leu (NM_001144764.2); c.1787C>T, p.Pro596Leu (NM_001144765.2); c.2330C>T, p.Pro777Leu (NM_001308019.2); short protein forms P596L, P628L, P708L, P777L, P784L.
Identifiers: ClinVar variation 3041416 (VCV003041416.3), dbSNP rs115994428, ClinGen allele CA6267879.
Genomic context (GRCh38, chr11:108,513,156, plus strand): 5'-AGTTTTCTGTTTTCAGTAAACCTCTTATCTTGTTTAATGTCATTGGATTTATCTGTGTGC[G>A]GTATATACATTTTGGAGGTATCTTTCCTGGAAAAGACTCTGGGTGACTTTTTTGAACTTA-3'
Protein context (NP_055880.2, residues 774-794): SRKDTSKMYI[Pro784Leu]HTDKSNDIKQ

ClinVar aggregate classification (germline): Benign. Review status: criteria provided, single submitter (1 of 4 stars). 2 submissions from 2 submitters: Benign (1). 1 of the submissions does not count toward it. Last evaluated 2025-03-08.

Conditions:
EXPH5-related disorder. Also called: EXPH5-related condition.

Allele frequency attached by ClinVar (database versions not stated): 1000 Genomes Project 0.00160; 1000 Genomes Project 30x 0.00172; gnomAD 0.00204; ESP Exome Variant Server 0.00208; TOPMed 0.00253; gnomAD exomes 0.00019; ExAC 0.00069.
gnomAD v4.1: 607 of 1,613,862 alleles (0.038%); highest among the groups gnomAD compares: African/African-American, 0.66%; 2 homozygotes.

Submissions (2):

Labcorp Genetics (formerly Invitae), Labcorp
Classification: Benign. Last evaluated: 2025-03-08. Review status: criteria provided, single submitter. Criteria: Invitae Variant Classification Sherloc (09022015). Collection method: clinical testing. Allele origin: germline.

PreventionGenetics, part of Exact Sciences
Classification: Likely benign for EXPH5-related condition. Last evaluated: 2024-04-01. Review status: no assertion criteria provided. Collection method: clinical testing. Allele origin: germline. Not counted in ClinVar's aggregate classification.
Comment: This variant is classified as likely benign based on ACMG/AMP sequence variant interpretation guidelines (Richards et al. 2015 PMID: 25741868, with internal and published modifications).